The following is an entry in ClinVar:

NM_004667.6(HERC2):c.5242A>G (p.Met1748Val)

Gene: HERC2 (HECT and RLD domain containing E3 ubiquitin protein ligase 2; minus strand). Cytogenetic location: 15q13.1.
Variant type: single nucleotide variant.
Coding change: c.5242A>G on transcript NM_004667.6 (MANE Select); coding-DNA position 5242, A replaced by G.
Protein change: p.Met1748Val; replaces methionine 1748 with valine.
Molecular consequence: missense variant.
Genome position (GRCh38, 1-based): chr15:28,229,225, T>C on the plus strand (A>G on the coding strand, the complement: HERC2 is on the minus strand). VCF-style: chr15-28229225-T-C. GRCh37 (hg19) VCF-style: chr15-28474371-T-C.
Other names: c.5242A>G (NM_004667.5); short protein forms M1748V.
Identifiers: ClinVar variation 3857548 (VCV003857548.2).

ClinVar aggregate classification (germline): Uncertain significance. Review status: criteria provided, multiple submitters, no conflicts (2 of 4 stars). 2 submissions from 2 submitters: Uncertain significance (2). Last evaluated 2025-04-28.

Conditions:
Inborn genetic diseases. Identifiers: MedGen C0950123, MeSH D030342.

Submissions (2):

GeneDx
Classification: Uncertain significance. Last evaluated: 2025-04-28. Review status: criteria provided, single submitter. Criteria: GeneDx Variant Classification Process June 2021. Collection method: clinical testing. Allele origin: germline. Affected: yes.
Comment: In silico analysis indicates that this missense variant does not alter protein structure/function; Has not been previously published as pathogenic or benign to our knowledge

Ambry Genetics
Classification: Uncertain significance for Inborn genetic diseases. Last evaluated: 2025-01-26. Review status: criteria provided, single submitter. Criteria: Ambry Variant Classification Scheme 2023. Collection method: clinical testing. Allele origin: germline.